The following is an entry in ClinVar:

NM_014423.4(AFF4):c.3321C>T (p.Thr1107=)

Gene: AFF4 (ALF transcription elongation factor 4; minus strand). Cytogenetic location: 5q31.1.
Variant type: single nucleotide variant.
Coding change: c.3321C>T on transcript NM_014423.4 (MANE Select); coding-DNA position 3321, C replaced by T.
Protein change: p.Thr1107=; no amino-acid change (threonine 1107 retained).
Molecular consequence: synonymous variant.
Genome position (GRCh38, 1-based): chr5:132,883,383, G>A on the plus strand (C>T on the coding strand, the complement: AFF4 is on the minus strand). VCF-style: chr5-132883383-G-A. GRCh37 (hg19) VCF-style: chr5-132219075-G-A.
Other names: c.3321C>T (NM_014423.3).
Identifiers: ClinVar variation 1659713 (VCV001659713.10), dbSNP rs745754457, ClinGen allele CA3408697.

ClinVar aggregate classification (germline): Benign. Review status: criteria provided, single submitter (1 of 4 stars). 2 submissions from 2 submitters: Benign (1). 1 of the submissions does not count toward it. Last evaluated 2021-07-13.

Conditions:
Cognitive impairment - coarse facies - heart defects - obesity - pulmonary involvement - short stature - skeletal dysplasia syndrome. Also called: COGNITIVE IMPAIRMENT, COARSE FACIES, HEART DEFECTS, OBESITY, PULMONARY INVOLVEMENT, SHORT STATURE, AND SKELETAL DYSPLASIA; Chops syndrome; AFF4-Related CHOPS Syndrome. Identifiers: Orphanet 444077, MedGen C4085597, MONDO:0014609, OMIM 616368.
AFF4-related disorder. Also called: AFF4-related condition.

Allele frequency attached by ClinVar (database versions not stated): gnomAD exomes 0.00003 and 0.00012; gnomAD 0.00006; TOPMed 0.00007; ExAC 0.00016.
gnomAD v4.1: 56 of 1,613,912 alleles (0.0035%); highest among the groups gnomAD compares: East Asian, 0.067%; no homozygotes.

Submissions (2):

Labcorp Genetics (formerly Invitae), Labcorp
Classification: Benign for Cognitive impairment - coarse facies - heart defects - obesity - pulmonary involvement - short stature - skeletal dysplasia syndrome. Last evaluated: 2021-07-13. Review status: criteria provided, single submitter. Criteria: Invitae Variant Classification Sherloc (09022015). Collection method: clinical testing. Allele origin: germline.

PreventionGenetics, part of Exact Sciences
Classification: Likely benign for AFF4-related condition. Last evaluated: 2023-08-04. Review status: no assertion criteria provided. Collection method: clinical testing. Allele origin: germline. Not counted in ClinVar's aggregate classification.
Comment: This variant is classified as likely benign based on ACMG/AMP sequence variant interpretation guidelines (Richards et al. 2015 PMID: 25741868, with internal and published modifications).